The following is an entry in ClinVar:

ClinVar aggregate classification (germline): Uncertain significance. Review status: criteria provided, multiple submitters, no conflicts (2 of 4 stars). 2 submissions from 2 submitters: Uncertain significance (2). Last evaluated 2025-05-14.

Conditions:
Inborn genetic diseases. Identifiers: MedGen C0950123, MeSH D030342.

Submissions (2):

Ambry Genetics
Classification: Uncertain significance for Inborn genetic diseases. Last evaluated: 2025-05-14. Review status: criteria provided, single submitter. Criteria: Ambry Variant Classification Scheme 2023. Collection method: clinical testing. Allele origin: germline.

GeneDx
Classification: Uncertain significance. Last evaluated: 2022-06-07. Review status: criteria provided, single submitter. Criteria: GeneDx Variant Classification Process June 2021. Collection method: clinical testing. Allele origin: germline. Affected: yes.
Comment: Not observed at significant frequency in large population cohorts (gnomAD); In silico analysis supports that this missense variant does not alter protein structure/function; Has not been previously published as pathogenic or benign to our knowledge

NM_000070.3(CAPN3):c.856T>G (p.Leu286Val)

Gene: CAPN3 (calpain 3; plus strand). Cytogenetic location: 15q15.1.
Variant type: single nucleotide variant.
Coding change: c.856T>G on transcript NM_000070.3 (MANE Select); coding-DNA position 856, T replaced by G.
Protein change: p.Leu286Val; replaces leucine 286 with valine.
Molecular consequence: missense variant. On other transcripts: intron variant (1).
Genome position (GRCh38, 1-based): chr15:42,390,007, T>G. VCF-style: chr15-42390007-T-G. GRCh37 (hg19) VCF-style: chr15-42682205-T-G.
Other names: c.856T>G, p.Leu286Val (NM_024344.2); c.595T>G, p.Leu199Val (NM_212464.2); c.*549T>G (NM_212467.2); c.801+911T>G (NM_173087.2); short protein forms L199V, L286V.
Identifiers: ClinVar variation 1803390 (VCV001803390.2), dbSNP rs2141170359, ClinGen allele CA391998539.